The following is an entry in ClinVar:

NM_001160372.4(TRAPPC9):c.3390A>C (p.Pro1130=)

Gene: TRAPPC9 (trafficking protein particle complex subunit 9; minus strand). Cytogenetic location: 8q24.3.
Variant type: single nucleotide variant.
Coding change: c.3390A>C on transcript NM_001160372.4 (MANE Select); coding-DNA position 3390, A replaced by C.
Protein change: p.Pro1130=; no amino-acid change (proline 1130 retained).
Molecular consequence: synonymous variant. On other transcripts: non-coding transcript variant (1).
Genome position (GRCh38, 1-based): chr8:139,731,118, T>G on the plus strand (A>C on the coding strand, the complement: TRAPPC9 is on the minus strand). VCF-style: chr8-139731118-T-G. GRCh37 (hg19) VCF-style: chr8-140743361-T-G.
Other names: c.3363A>C, p.Pro1121= (NM_001321646.2); c.3411A>C, p.Pro1137= (NM_001374682.1); c.3279A>C, p.Pro1093= (NM_001374683.1); c.3246A>C, p.Pro1082= (NM_001374684.1); c.3390A>C, p.Pro1130= (NM_031466.8).
Identifiers: ClinVar variation 130618 (VCV000130618.40), dbSNP rs143396124, ClinGen allele CA231566.
Genomic context (GRCh38, chr8:139,731,118, plus strand): 5'-GGCTCAGGCCTGCGCCTCCAGGGCACACACGTGCACACTGGGCAGGCAGAACCAAGAGGG[T>G]GGCAGCTCCTTGCTGGTGCTGTCCTCGTGGAACCGGATGTGGAGGAAGAAGTCTCCCGTG-3'
Protein context (NP_001153844.1, residues 1120-1140): FHEDSTSKEL[Pro1130=]PSWFCLPSVH

ClinVar aggregate classification (germline): Benign/Likely benign. Review status: criteria provided, multiple submitters, no conflicts (2 of 4 stars). 5 submissions from 5 submitters: Benign (1); Likely benign (4). Last evaluated 2026-02-03.

Conditions:
Inborn genetic diseases. Identifiers: MedGen C0950123, MeSH D030342.

Allele frequency attached by ClinVar (database versions not stated): gnomAD exomes 0.00029 and 0.00074; ExAC 0.00086; 1000 Genomes Project 0.00140; 1000 Genomes Project 30x 0.00172; gnomAD 0.00298 and 0.00333; ESP Exome Variant Server 0.00315; TOPMed 0.00352.
gnomAD v4.1: 881 of 1,613,726 alleles (0.055%); highest among the groups gnomAD compares: African/African-American, 1.1%; 11 homozygotes.

Submissions (5):

Labcorp Genetics (formerly Invitae), Labcorp
Classification: Benign. Last evaluated: 2026-02-03. Review status: criteria provided, single submitter. Criteria: Invitae Variant Classification Sherloc (09022015). Collection method: clinical testing. Allele origin: germline.

CeGaT Center for Human Genetics Tuebingen
Classification: Likely benign. Last evaluated: 2024-11-01. Review status: criteria provided, single submitter. Criteria: CeGaT Center For Human Genetics Tuebingen Variant Classification Criteria Version 2. Collection method: clinical testing. Allele origin: germline. Affected: yes. Observed: 2 variant alleles.
Comment: TRAPPC9: BP4, BP7, BS1

Blueprint Genetics
Classification: Likely benign. Last evaluated: 2024-08-06. Review status: criteria provided, single submitter. Criteria: ACMG Guidelines, 2015. Collection method: clinical testing. Allele origin: germline.

Ambry Genetics
Classification: Likely benign for Inborn genetic diseases. Last evaluated: 2018-01-19. Review status: criteria provided, single submitter. Criteria: Ambry Variant Classification Scheme 2023. Collection method: clinical testing. Allele origin: germline.

Genetic Services Laboratory, University of Chicago
Classification: Likely benign. Last evaluated: 2015-11-18. Review status: criteria provided, single submitter. Criteria: ACMG Guidelines, 2015. Collection method: clinical testing. Allele origin: germline. Affected: no.